The following is an entry in ClinVar:

NM_001003800.2(BICD2):c.2465C>T (p.Pro822Leu)

Gene: BICD2 (BICD cargo adaptor 2; minus strand). Cytogenetic location: 9q22.31.
Variant type: single nucleotide variant.
Coding change: c.2465C>T on transcript NM_001003800.2 (MANE Select); coding-DNA position 2465, C replaced by T.
Protein change: p.Pro822Leu; replaces proline 822 with leucine.
Molecular consequence: missense variant.
Genome position (GRCh38, 1-based): chr9:92,715,257, G>A on the plus strand (C>T on the coding strand, the complement: BICD2 is on the minus strand). VCF-style: chr9-92715257-G-A. GRCh37 (hg19) VCF-style: chr9-95477539-G-A.
Other names: c.2465C>T, p.Pro822Leu (NM_015250.4); short protein forms P822L.
Identifiers: ClinVar variation 567197 (VCV000567197.7), dbSNP rs768524403, ClinGen allele CA5126293.

ClinVar aggregate classification (germline): Uncertain significance (1 of 4 stars; one submission).

Conditions:
Autosomal dominant childhood-onset proximal spinal muscular atrophy with contractures (SMALED2A). Also called: SPINAL MUSCULAR ATROPHY, LOWER EXTREMITY-PREDOMINANT, 2A, CHILDHOOD ONSET, AUTOSOMAL DOMINANT; Spinal muscular atrophy, lower extremity-predominant, 2A, autosomal dominant. Identifiers: Orphanet 363447, Orphanet 363454, MedGen C4747715, MONDO:0014121, OMIM 615290.

Allele frequency attached by ClinVar (database versions not stated): ExAC 0.00002; TOPMed 0.00002; gnomAD 0.00004.

Submission:

Labcorp Genetics (formerly Invitae), Labcorp
Classification: Uncertain significance for Autosomal dominant childhood-onset proximal spinal muscular atrophy with contractures. Last evaluated: 2024-10-05. Review status: criteria provided, single submitter. Criteria: Invitae Variant Classification Sherloc (09022015). Collection method: clinical testing. Allele origin: germline.
Comment: This sequence change replaces proline, which is neutral and non-polar, with leucine, which is neutral and non-polar, at codon 822 of the BICD2 protein (p.Pro822Leu). This variant is present in population databases (rs768524403, gnomAD 0.03%). This variant has not been reported in the literature in individuals affected with BICD2-related conditions. ClinVar contains an entry for this variant (Variation ID: 567197). Invitae Evidence Modeling of protein sequence and biophysical properties (such as structural, functional, and spatial information, amino acid conservation, physicochemical variation, residue mobility, and thermodynamic stability) indicates that this missense variant is not expected to disrupt BICD2 protein function with a negative predictive value of 80%. In summary, the available evidence is currently insufficient to determine the role of this variant in disease. Therefore, it has been classified as a Variant of Uncertain Significance.